The following is an entry in ClinVar:

ClinVar aggregate classification (germline): Benign/Likely benign. Review status: criteria provided, multiple submitters, no conflicts (2 of 4 stars). 5 submissions from 5 submitters: Benign (2); Likely benign (2). 1 of the submissions does not count toward it. Last evaluated 2026-08-01.

Conditions:
Neurodevelopmental disorder with or without anomalies of the brain, eye, or heart (NEDBEH). Identifiers: Orphanet 494344, MedGen C5567477, MONDO:0014857, OMIM 616975.
Inborn genetic diseases. Identifiers: MedGen C0950123, MeSH D030342.
RERE-related disorder. Also called: RERE-Related Disorders; RERE-related condition. Identifiers: MedGen CN381537.

Submissions (5):

CeGaT Center for Human Genetics Tuebingen
Classification: Benign. Last evaluated: 2026-08-01. Review status: criteria provided, single submitter. Criteria: CeGaT Center For Human Genetics Tuebingen Variant Classification Criteria Version 2. Collection method: clinical testing. Allele origin: germline. Affected: yes. Observed: 21 variant alleles.
Comment: RERE: BS1, BS2

Labcorp Genetics (formerly Invitae), Labcorp
Classification: Benign. Last evaluated: 2026-01-27. Review status: criteria provided, single submitter. Criteria: Invitae Variant Classification Sherloc (09022015). Collection method: clinical testing. Allele origin: germline.

Ambry Genetics
Classification: Likely benign for Inborn genetic diseases. Last evaluated: 2025-03-06. Review status: criteria provided, single submitter. Criteria: Ambry Variant Classification Scheme 2023. Collection method: clinical testing. Allele origin: germline.

Fulgent Genetics
Classification: Likely benign for Neurodevelopmental disorder with or without anomalies of the brain, eye, or heart. Last evaluated: 2021-11-12. Review status: criteria provided, single submitter. Criteria: ACMG Guidelines, 2015. Collection method: clinical testing. Allele origin: unknown.

PreventionGenetics, part of Exact Sciences
Classification: Benign for RERE-related condition. Last evaluated: 2022-11-29. Review status: no assertion criteria provided. Collection method: clinical testing. Allele origin: germline. Not counted in ClinVar's aggregate classification.
Comment: This variant is classified as benign based on ACMG/AMP sequence variant interpretation guidelines (Richards et al. 2015 PMID: 25741868, with internal and published modifications).

NM_001042681.2(RERE):c.3556AAGGAG[2] (p.1186KE[2])

Gene: RERE (arginine-glutamic acid dipeptide repeats; minus strand). Cytogenetic location: 1p36.23.
Variant type: Microsatellite.
Coding change: c.3556AAGGAG[2] on transcript NM_001042681.2 (MANE Select); two copies in a row of the 6-base unit AAGGAG starting at c.3556; the reference has three copies in a row; one copy, 6 bases deleted.
Protein change: p.1186KE[2].
Molecular consequence: inframe deletion.
Genome position (GRCh38, 1-based): chr1:8,359,809-8,359,814, CTCCTT deleted on the plus strand (AAGGAG on the coding strand, the reverse complement: RERE is on the minus strand); deleting any 6 consecutive bases within chr1:8,359,809-8,359,830 gives the same sequence; the position shown is the placement nearest the transcript's 3' end. VCF-style (leftmost placement, unchanged base first): chr1-8359808-GCTCCTT-G. GRCh37 (hg19) VCF-style: chr1-8419868-GCTCCTT-G.
Other names: c.3568_3573del (NM_012102.4); c.3568_3573del6 (NM_012102.3); c.1894AAGGAG[2], p.632KE[2] (NM_001042682.2); c.3556AAGGAG[2], p.1186KE[2] (NM_012102.4).
Identifiers: ClinVar variation 715993 (VCV000715993.35), dbSNP rs147985313, ClinGen allele CA571104.